The following is an entry in ClinVar:

ClinVar aggregate classification (germline): Uncertain significance (1 of 4 stars; one submission).

Submission:

CeGaT Center for Human Genetics Tuebingen
Classification: Uncertain significance. Last evaluated: 2025-08-01. Review status: criteria provided, single submitter. Criteria: CeGaT Center For Human Genetics Tuebingen Variant Classification Criteria Version 2. Collection method: clinical testing. Allele origin: germline. Affected: yes. Observed: 1 variant allele.
Comment: GNAS: PM2, BP4

NM_080425.4(GNAS):c.386C>A (p.Ala129Glu)

Gene: GNAS (GNAS complex locus; plus strand). Cytogenetic location: 20q13.32.
Variant type: single nucleotide variant.
Coding change: c.386C>A on transcript NM_080425.4 (MANE Plus Clinical); coding-DNA position 386, C replaced by A.
Protein change: p.Ala129Glu; replaces alanine 129 with glutamic acid.
Molecular consequence: missense variant. On other transcripts: intron variant (3).
Genome position (GRCh38, 1-based): chr20:58,853,651, C>A. VCF-style: chr20-58853651-C-A. GRCh37 (hg19) VCF-style: chr20-57428706-C-A.
Other names: c.199C>A, p.Gln67Lys (NM_001077490.3, NM_001309883.1); c.386C>A, p.Ala129Glu (NM_001410913.1); c.*42+12765C>A (NM_016592.5); c.43+12765C>A (NM_001410912.1); c.-39+11776C>A (NM_001309861.2); short protein forms A129E, Q67K.
Identifiers: ClinVar variation 4085658 (VCV004085658.8).
Genomic context (GRCh38, chr20:58,853,651, plus strand): 5'-CCAGCTTGGGAGGCTTCTGGCCTACACTGGAGCAGCCTGGATTCCCCAGTGGGGTCCATG[C>A]AGGCCTTGAGGCCTTCGGCCCAGCACTCATGGAGCCCGGAGCCTTCAGTGGTGCCAGACC-3'
Protein context (NP_536350.2, residues 119-139): EQPGFPSGVH[Ala129Glu]GLEAFGPALM